The following is an entry in ClinVar:

ClinVar aggregate classification (germline): Likely benign. Review status: criteria provided, multiple submitters, no conflicts (2 of 4 stars). 4 submissions from 4 submitters: Likely benign (4). Last evaluated 2025-04-17.

Conditions:
SCN11A-related disorder. Also called: SCN11A-related condition.
Hereditary sensory and autonomic neuropathy type 7. Also called: Neuropathy, hereditary sensory and autonomic, type VII; HSAN VII. Identifiers: Orphanet 391397, MedGen C3809882, MONDO:0014244, OMIM 615548.
Familial episodic pain syndrome with predominantly lower limb involvement. Also called: Episodic pain syndrome, familial, 3. Identifiers: Orphanet 391384, Orphanet 391392, MedGen C3809899, MONDO:0014247, OMIM 615552.

Allele frequency attached by ClinVar (database versions not stated): ExAC 0.00001; gnomAD 0.00001; TOPMed 0.00002.
gnomAD v4.1: 18 of 1,612,140 alleles (0.0011%); highest among the groups gnomAD compares: East Asian, 0.013%; no homozygotes.

Submissions (4):

Labcorp Genetics (formerly Invitae), Labcorp
Classification: Likely benign for Familial episodic pain syndrome with predominantly lower limb involvement; Hereditary sensory and autonomic neuropathy type 7. Last evaluated: 2025-04-17. Review status: criteria provided, single submitter. Criteria: Invitae Variant Classification Sherloc (09022015). Collection method: clinical testing. Allele origin: germline.

PreventionGenetics, part of Exact Sciences
Classification: Likely benign for SCN11A-related condition. Last evaluated: 2025-04-02. Review status: criteria provided, single submitter. Criteria: ACMG Guidelines, 2015. Collection method: clinical testing. Allele origin: germline.
Comment: This variant is classified as likely benign based on ACMG/AMP sequence variant interpretation guidelines (Richards et al. 2015 PMID: 25741868, with internal and published modifications).

CeGaT Center for Human Genetics Tuebingen
Classification: Likely benign. Last evaluated: 2023-01-01. Review status: criteria provided, single submitter. Criteria: CeGaT Center For Human Genetics Tuebingen Variant Classification Criteria Version 2. Collection method: clinical testing. Allele origin: germline. Affected: yes. Observed: 1 variant allele.
Comment: SCN11A: BP4, BP7

Blueprint Genetics
Classification: Likely benign. Last evaluated: 2021-12-06. Review status: criteria provided, single submitter. Criteria: ACMG Guidelines, 2015. Collection method: clinical testing. Allele origin: germline.

NM_001349253.2(SCN11A):c.2340G>A (p.Ala780=)

Gene: SCN11A (sodium voltage-gated channel alpha subunit 11; minus strand). Cytogenetic location: 3p22.2.
Variant type: single nucleotide variant.
Coding change: c.2340G>A on transcript NM_001349253.2 (MANE Select); coding-DNA position 2340, G replaced by A.
Protein change: p.Ala780=; no amino-acid change (alanine 780 retained).
Molecular consequence: synonymous variant.
Genome position (GRCh38, 1-based): chr3:38,896,908, C>T on the plus strand (G>A on the coding strand, the complement: SCN11A is on the minus strand). VCF-style: chr3-38896908-C-T. GRCh37 (hg19) VCF-style: chr3-38938399-C-T.
Other names: c.2340G>A, p.Ala780= (NM_014139.3).
Identifiers: ClinVar variation 712137 (VCV000712137.32), dbSNP rs779486096, ClinGen allele CA2322082.